The following is an entry in ClinVar:

ClinVar aggregate classification (germline): Pathogenic (1 of 4 stars; one submission).

Submission:

Labcorp Genetics (formerly Invitae), Labcorp
Classification: Pathogenic. Last evaluated: 2023-08-07. Review status: criteria provided, single submitter. Criteria: Invitae Variant Classification Sherloc (09022015). Collection method: clinical testing. Allele origin: germline.
Comment: This variant has not been reported in the literature in individuals affected with LOXHD1-related conditions. For these reasons, this variant has been classified as Pathogenic. This variant is not present in population databases (gnomAD no frequency). This sequence change creates a premature translational stop signal (p.Gln154Serfs*30) in the LOXHD1 gene. It is expected to result in an absent or disrupted protein product. Loss-of-function variants in LOXHD1 are known to be pathogenic (PMID: 19732867, 21465660, 25792669).

Literature cited by the submitters: PubMed 19732867; PubMed 21465660; PubMed 25792669.

NM_001384474.1(LOXHD1):c.460del (p.Gln154fs)

Gene: LOXHD1 (lipoxygenase homology PLAT domains 1; minus strand). Cytogenetic location: 18q21.1.
Variant type: Deletion.
Coding change: c.460del on transcript NM_001384474.1 (MANE Select); coding-DNA position 460, one base deleted (C; older notation c.460delC).
Protein change: p.Gln154fs; shifts the reading frame from glutamine 154.
Molecular consequence: frameshift variant.
Genome position (GRCh38, 1-based): chr18:46,639,667, G deleted on the plus strand (C on the coding strand, the reverse complement: LOXHD1 is on the minus strand); the first of 2 consecutive G bases (chr18:46,639,667-46,639,668); deleting either gives the same sequence. VCF-style (leftmost placement, unchanged base first): chr18-46639666-TG-T. GRCh37 (hg19) VCF-style: chr18-44219629-TG-T.
Other names: c.460del, p.Gln154fs (NM_144612.7); short protein forms Q154fs.
Identifiers: ClinVar variation 2889324 (VCV002889324.3), dbSNP rs2511996874, ClinGen allele CA2641675799.